The following is an entry in ClinVar:

ClinVar aggregate classification (germline): Uncertain significance. Review status: criteria provided, multiple submitters, no conflicts (2 of 4 stars). 2 submissions from 2 submitters: Uncertain significance (2). Last evaluated 2024-04-15.

Conditions:
Tumor predisposition syndrome 3 (TPDS3). Also called: Glioma susceptibility 9; LONG TELOMERE SYNDROME, POT1-RELATED; POT1 Tumor Predisposition; Melanoma, cutaneous malignant, susceptibility to, 10. Identifiers: Orphanet 618, MedGen C4014476, MONDO:0014368, OMIM 615848.
Hereditary cancer-predisposing syndrome. Also called: Hereditary Cancer Syndrome; Neoplastic Syndromes, Hereditary; Hereditary neoplastic syndrome; Tumor predisposition. Identifiers: Orphanet 140162, MedGen C0027672, MeSH D009386, MONDO:0015356.

Submissions (2):

Labcorp Genetics (formerly Invitae), Labcorp
Classification: Uncertain significance for Tumor predisposition syndrome 3. Last evaluated: 2024-04-15. Review status: criteria provided, single submitter. Criteria: Invitae Variant Classification Sherloc (09022015). Collection method: clinical testing. Allele origin: germline.
Comment: This sequence change replaces isoleucine, which is neutral and non-polar, with methionine, which is neutral and non-polar, at codon 399 of the POT1 protein (p.Ile399Met). This variant is not present in population databases (gnomAD no frequency). This variant has not been reported in the literature in individuals affected with POT1-related conditions. ClinVar contains an entry for this variant (Variation ID: 541854). Advanced modeling of protein sequence and biophysical properties (such as structural, functional, and spatial information, amino acid conservation, physicochemical variation, residue mobility, and thermodynamic stability) performed at Invitae indicates that this missense variant is not expected to disrupt POT1 protein function with a negative predictive value of 80%. In summary, the available evidence is currently insufficient to determine the role of this variant in disease. Therefore, it has been classified as a Variant of Uncertain Significance.

Ambry Genetics
Classification: Uncertain significance for Hereditary cancer-predisposing syndrome. Last evaluated: 2023-05-18. Review status: criteria provided, single submitter. Criteria: Ambry Variant Classification Scheme 2023. Collection method: clinical testing. Allele origin: germline.
Comment: The p.I399M variant (also known as c.1197A>G), located in coding exon 10 of the POT1 gene, results from an A to G substitution at nucleotide position 1197. The isoleucine at codon 399 is replaced by methionine, an amino acid with highly similar properties. This amino acid position is conserved. In addition, this alteration is predicted to be tolerated by in silico analysis. Since supporting evidence is limited at this time, the clinical significance of this alteration remains unclear.

NM_015450.3(POT1):c.1197A>G (p.Ile399Met)

Gene: POT1 (protection of telomeres 1; minus strand). Cytogenetic location: 7q31.33.
Variant type: single nucleotide variant.
Coding change: c.1197A>G on transcript NM_015450.3 (MANE Select); coding-DNA position 1197, A replaced by G.
Protein change: p.Ile399Met; replaces isoleucine 399 with methionine.
Molecular consequence: missense variant. On other transcripts: non-coding transcript variant (3).
Genome position (GRCh38, 1-based): chr7:124,841,145, T>C on the plus strand (A>G on the coding strand, the complement: POT1 is on the minus strand). VCF-style: chr7-124841145-T-C. GRCh37 (hg19) VCF-style: chr7-124481199-T-C.
Other names: c.804A>G, p.Ile268Met (NM_001042594.2); short protein forms I399M, I268M.
Identifiers: ClinVar variation 541854 (VCV000541854.8), dbSNP rs1554420158, ClinGen allele CA369067660.
Genomic context (GRCh38, chr7:124,841,145, plus strand): 5'-ATATAATGATGTATTTTGTAGCTTGACATCTGGGGTTTTAGTTGCACCATCCTGAAAAAT[T>C]ATATCCAAATCGCCCTCATGTGGAACTTCTTGCCTAAAATTATTGGCAATGAAATGATAG-3'
Protein context (NP_056265.2, residues 389-409): QEVPHEGDLD[Ile399Met]IFQDGATKTP